The following is an entry in ClinVar:

NM_006080.3(SEMA3A):c.1952C>A (p.Ala651Glu)

Gene: SEMA3A (semaphorin 3A; minus strand). Cytogenetic location: 7q21.11.
Variant type: single nucleotide variant.
Coding change: c.1952C>A on transcript NM_006080.3 (MANE Select); coding-DNA position 1952, C replaced by A.
Protein change: p.Ala651Glu; replaces alanine 651 with glutamic acid.
Molecular consequence: missense variant.
Genome position (GRCh38, 1-based): chr7:83,961,735, G>T on the plus strand (C>A on the coding strand, the complement: SEMA3A is on the minus strand). VCF-style: chr7-83961735-G-T. GRCh37 (hg19) VCF-style: chr7-83591051-G-T.
Other names: short protein forms A651E.
Identifiers: ClinVar variation 2089876 (VCV002089876.4), dbSNP rs150205475, ClinGen allele CA367944705.

ClinVar aggregate classification (germline): Uncertain significance (1 of 4 stars; one submission).

gnomAD v4.1: 2 of 1,613,718 alleles (0.00012%); highest among the groups gnomAD compares: Non-Finnish European, 0.00017%; no homozygotes.

Submission:

Labcorp Genetics (formerly Invitae), Labcorp
Classification: Uncertain significance. Last evaluated: 2023-07-17. Review status: criteria provided, single submitter. Criteria: Invitae Variant Classification Sherloc (09022015). Collection method: clinical testing. Allele origin: germline.
Comment: In summary, the available evidence is currently insufficient to determine the role of this variant in disease. Therefore, it has been classified as a Variant of Uncertain Significance. This sequence change replaces alanine, which is neutral and non-polar, with glutamic acid, which is acidic and polar, at codon 651 of the SEMA3A protein (p.Ala651Glu). This variant is not present in population databases (gnomAD no frequency). This variant has not been reported in the literature in individuals affected with SEMA3A-related conditions. Advanced modeling of protein sequence and biophysical properties (such as structural, functional, and spatial information, amino acid conservation, physicochemical variation, residue mobility, and thermodynamic stability) has been performed at Invitae for this missense variant, however the output from this modeling did not meet the statistical confidence thresholds required to predict the impact of this variant on SEMA3A protein function. ClinVar contains an entry for this variant (Variation ID: 2089876).